The following is an entry in ClinVar:

NM_001283.5(AP1S1):c.270C>G (p.Leu90=)

Genes: AP1S1 (adaptor related protein complex 1 subunit sigma 1; plus strand), LOC126860125 (BRD4-independent group 4 enhancer GRCh37_chr7:100799642-100800841; plus strand). Cytogenetic location: 7q22.1.
Variant type: single nucleotide variant.
Coding change: c.270C>G on transcript NM_001283.5 (MANE Select); coding-DNA position 270, C replaced by G.
Protein change: p.Leu90=; no amino-acid change (leucine 90 retained).
Molecular consequence: synonymous variant.
Genome position (GRCh38, 1-based): chr7:101,157,464, C>G. VCF-style: chr7-101157464-C-G. GRCh37 (hg19) VCF-style: chr7-100800745-C-G.
Other names: c.270C>G (NM_001283.3).
Identifiers: ClinVar variation 2733405 (VCV002733405.4), dbSNP rs371403691, ClinGen allele CA163355310.

ClinVar aggregate classification (germline): Likely benign. Review status: criteria provided, multiple submitters, no conflicts (2 of 4 stars). 2 submissions from 2 submitters: Likely benign (2). Last evaluated 2025-12-30.

Conditions:
AP1S1-related disorder. Also called: AP1S1-related condition.

Allele frequency attached by ClinVar (database versions not stated): gnomAD 0.00001; gnomAD exomes 0.00002; ESP Exome Variant Server 0.00008.
gnomAD v4.1: 30 of 1,565,762 alleles (0.0019%); highest among the groups gnomAD compares: Non-Finnish European, 0.0026%; no homozygotes.

Submissions (2):

PreventionGenetics, part of Exact Sciences
Classification: Likely benign for AP1S1-related condition. Last evaluated: 2025-12-30. Review status: criteria provided, single submitter. Criteria: ACMG Guidelines, 2015. Collection method: clinical testing. Allele origin: germline.
Comment: This variant is classified as likely benign based on ACMG/AMP sequence variant interpretation guidelines (Richards et al. 2015 PMID: 25741868, with internal and published modifications).

Labcorp Genetics (formerly Invitae), Labcorp
Classification: Likely benign. Last evaluated: 2023-02-08. Review status: criteria provided, single submitter. Criteria: Invitae Variant Classification Sherloc (09022015). Collection method: clinical testing. Allele origin: germline.